The following is an entry in ClinVar:

ClinVar aggregate classification (germline): Benign/Likely benign. Review status: criteria provided, multiple submitters, no conflicts (2 of 4 stars). 5 submissions from 5 submitters: Benign (1); Likely benign (4). Last evaluated 2024-11-21.

Conditions:
Hereditary cancer-predisposing syndrome. Also called: Tumor predisposition; Neoplastic Syndromes, Hereditary; Hereditary neoplastic syndrome; Hereditary Cancer Syndrome. Identifiers: Orphanet 140162, MedGen C0027672, MeSH D009386, MONDO:0015356.
Classic or attenuated familial adenomatous polyposis. Identifiers: MedGen CN372698, MONDO:0021057.
Familial adenomatous polyposis 1 (FAP1). Also called: POLYPOSIS, ADENOMATOUS INTESTINAL; FAMILIAL ADENOMATOUS POLYPOSIS 1, ATTENUATED. Identifiers: MedGen C2713442, MONDO:0021056, OMIM 175100. Disease mechanism: loss of function.

Submissions (5):

Ambry Genetics
Classification: Likely benign for Hereditary cancer-predisposing syndrome. Last evaluated: 2024-11-21. Review status: criteria provided, single submitter. Criteria: Ambry Variant Classification Scheme 2023. Collection method: clinical testing. Allele origin: germline.

All of Us Research Program, National Institutes of Health
Classification: Likely benign for Classic or attenuated familial adenomatous polyposis. Last evaluated: 2024-05-30. Review status: criteria provided, single submitter. Criteria: ACMG Guidelines, 2015. Collection method: clinical testing. Allele origin: germline. Inheritance: Autosomal dominant inheritance. Observed: 1 variant allele, 1 heterozygote.
Comment: This study involves interpretation of variants in research participants for the purpose of population health screening. Participant phenotype was not available at the time of variant classification. Additional details can be found in publication PMID: 35346344, PMCID: PMC8962531

Myriad Genetics, Inc.
Classification: Benign for Familial adenomatous polyposis 1. Last evaluated: 2024-03-26. Review status: criteria provided, single submitter. Criteria: Myriad Autosomal Dominant, Autosomal Recessive and X-Linked Classification Criteria (2023). Collection method: clinical testing. Allele origin: unknown.
Comment: This variant is considered benign. This variant is a silent/synonymous amino acid change and it is not expected to impact splicing.

Labcorp Genetics (formerly Invitae), Labcorp
Classification: Likely benign for Familial adenomatous polyposis 1. Last evaluated: 2023-09-19. Review status: criteria provided, single submitter. Criteria: Invitae Variant Classification Sherloc (09022015). Collection method: clinical testing. Allele origin: germline.

Color Diagnostics, LLC DBA Color Health
Classification: Likely benign for Hereditary cancer-predisposing syndrome. Last evaluated: 2017-11-15. Review status: criteria provided, single submitter. Criteria: ACMG Guidelines, 2015. Collection method: clinical testing. Allele origin: germline.

NM_000038.6(APC):c.4383A>G (p.Glu1461=)

Gene: APC (APC regulator of Wnt signaling pathway; plus strand). Cytogenetic location: 5q22.2.
Variant type: single nucleotide variant.
Coding change: c.4383A>G on transcript NM_000038.6 (MANE Select); coding-DNA position 4383, A replaced by G.
Protein change: p.Glu1461=; no amino-acid change (glutamic acid 1461 retained).
Molecular consequence: synonymous variant.
Genome position (GRCh38, 1-based): chr5:112,839,977, A>G. VCF-style: chr5-112839977-A-G. GRCh37 (hg19) VCF-style: chr5-112175674-A-G.
Other names: c.4383A>G, p.Glu1461= (NM_001127510.3, NM_001354895.2); c.4329A>G, p.Glu1443= (NM_001127511.3); c.4437A>G, p.Glu1479= (NM_001354896.2); c.4413A>G, p.Glu1471= (NM_001354897.2); c.4308A>G, p.Glu1436= (NM_001354898.2); c.4299A>G, p.Glu1433= (NM_001354899.2); c.4260A>G, p.Glu1420= (NM_001354900.2); c.4206A>G, p.Glu1402= (NM_001354901.2); and 5 more.
Identifiers: ClinVar variation 630807 (VCV000630807.8), dbSNP rs1561592054, ClinGen allele CA445964538.